The following is an entry in ClinVar:

NM_001372044.2(SHANK3):c.4904C>G (p.Ser1635Trp)

Gene: SHANK3 (SH3 and multiple ankyrin repeat domains 3; plus strand). Cytogenetic location: 22q13.33.
Variant type: single nucleotide variant.
Coding change: c.4904C>G on transcript NM_001372044.2 (MANE Select); coding-DNA position 4904, C replaced by G.
Protein change: p.Ser1635Trp; replaces serine 1635 with tryptophan.
Molecular consequence: missense variant.
Genome position (GRCh38, 1-based): chr22:50,730,795, C>G. VCF-style: chr22-50730795-C-G. GRCh37 (hg19) VCF-style: chr22-51169223-C-G.
Other names: c.4679C>G, p.Ser1560Trp (NM_033517.1); short protein forms S1560W, S1635W.
Identifiers: ClinVar variation 1803732 (VCV001803732.1), dbSNP rs1257181160, ClinGen allele CA515266488.

ClinVar aggregate classification (germline): Uncertain significance (1 of 4 stars; one submission).

Conditions:
Phelan-McDermid syndrome. Also called: Phelan-McDermid Syndrome-SHANK3 Related; TELOMERIC 22q13 MONOSOMY SYNDROME; 22q13.3 deletion syndrome. Identifiers: Orphanet 48652, MedGen C1853490, MONDO:0011652, OMIM 606232.

Submission:

HudsonAlpha Institute for Biotechnology
Classification: Uncertain significance for Phelan-McDermid syndrome. Last evaluated: 2021-11-30. Review status: criteria provided, single submitter. Criteria: ACMG Guidelines, 2015. Collection method: research. Allele origin: de novo. Observed: 1 variant allele. Study: HudsonAlpha-AGHI-WGS.
Comment: ACMG codes:PS2M, PM2